The following is an entry in ClinVar:

ClinVar aggregate classification (germline): Likely benign (1 of 4 stars; one submission).

Allele frequency attached by ClinVar (database versions not stated): ExAC 0.00001; gnomAD 0.00001; gnomAD exomes 0.00001; TOPMed 0.00001.
gnomAD v4.1: 12 of 1,614,024 alleles (0.00074%); highest among the groups gnomAD compares: Admixed American, 0.0017%; 1 homozygote.

Submission:

CeGaT Center for Human Genetics Tuebingen
Classification: Likely benign. Last evaluated: 2024-06-01. Review status: criteria provided, single submitter. Criteria: CeGaT Center For Human Genetics Tuebingen Variant Classification Criteria Version 2. Collection method: clinical testing. Allele origin: germline. Affected: yes. Observed: 1 variant allele.
Comment: CA8: BP4, BP7

NM_004056.6(CA8):c.774G>A (p.Lys258=)

Gene: CA8 (carbonic anhydrase 8 (inactive); minus strand). Cytogenetic location: 8q12.1.
Variant type: single nucleotide variant.
Coding change: c.774G>A on transcript NM_004056.6 (MANE Select); coding-DNA position 774, G replaced by A.
Protein change: p.Lys258=; no amino-acid change (lysine 258 retained).
Molecular consequence: synonymous variant. On other transcripts: 3 prime UTR variant (1), non-coding transcript variant (1).
Genome position (GRCh38, 1-based): chr8:60,208,884, C>T on the plus strand (G>A on the coding strand, the complement: CA8 is on the minus strand). VCF-style: chr8-60208884-C-T. GRCh37 (hg19) VCF-style: chr8-61121443-C-T.
Other names: c.774G>A, p.Lys258= (NM_001321837.2); c.*32G>A (NM_001321838.2); c.678G>A, p.Lys226= (NM_001321839.2); c.822G>A, p.Lys274= (NM_001412131.1, NM_001416962.1).
Identifiers: ClinVar variation 3250858 (VCV003250858.18), dbSNP rs758261533.